The following is an entry in ClinVar:

ClinVar aggregate classification (germline): Uncertain significance (1 of 4 stars; one submission).

Allele frequency attached by ClinVar (database versions not stated): gnomAD exomes below 0.00001.
gnomAD v4.1: 2 of 1,612,886 alleles (0.00012%); highest among the groups gnomAD compares: Non-Finnish European, 0.00017%; no homozygotes.

Submission:

Labcorp Genetics (formerly Invitae), Labcorp
Classification: Uncertain significance. Last evaluated: 2021-12-24. Review status: criteria provided, single submitter. Criteria: Invitae Variant Classification Sherloc (09022015). Collection method: clinical testing. Allele origin: germline.
Comment: This sequence change replaces histidine, which is basic and polar, with arginine, which is basic and polar, at codon 931 of the TMEM132E protein (p.His931Arg). This variant is not present in population databases (gnomAD no frequency). This variant has not been reported in the literature in individuals affected with TMEM132E-related conditions. Algorithms developed to predict the effect of missense changes on protein structure and function are either unavailable or do not agree on the potential impact of this missense change (SIFT: "Deleterious"; PolyPhen-2: "Not Available"; Align-GVGD: "Class C0"). In summary, the available evidence is currently insufficient to determine the role of this variant in disease. Therefore, it has been classified as a Variant of Uncertain Significance.

NM_001304438.2(TMEM132E):c.2792A>G (p.His931Arg)

Gene: TMEM132E (transmembrane protein 132E; plus strand). Cytogenetic location: 17q12.
Variant type: single nucleotide variant.
Coding change: c.2792A>G on transcript NM_001304438.2 (MANE Select); coding-DNA position 2792, A replaced by G.
Protein change: p.His931Arg; replaces histidine 931 with arginine.
Molecular consequence: missense variant.
Genome position (GRCh38, 1-based): chr17:34,637,799, A>G. VCF-style: chr17-34637799-A-G. GRCh37 (hg19) VCF-style: chr17-32964818-A-G.
Other names: short protein forms H931R.
Identifiers: ClinVar variation 1969519 (VCV001969519.5), dbSNP rs2508624368, ClinGen allele CA399069172.